The following is an entry in ClinVar:

NM_016216.4(DBR1):c.1631C>G (p.Ala544Gly)

Gene: DBR1 (debranching RNA lariats 1; minus strand). Cytogenetic location: 3q22.3.
Variant type: single nucleotide variant.
Coding change: c.1631C>G on transcript NM_016216.4 (MANE Select); coding-DNA position 1631, C replaced by G.
Protein change: p.Ala544Gly; replaces alanine 544 with glycine.
Molecular consequence: missense variant.
Genome position (GRCh38, 1-based): chr3:138,161,893, G>C on the plus strand (C>G on the coding strand, the complement: DBR1 is on the minus strand). VCF-style: chr3-138161893-G-C. GRCh37 (hg19) VCF-style: chr3-137880735-G-C.
Other names: short protein forms A544G.
Identifiers: ClinVar variation 2418134 (VCV002418134.3), dbSNP rs140755249, ClinGen allele CA2635634.

ClinVar aggregate classification (germline): Uncertain significance (1 of 4 stars; one submission).

gnomAD v4.1: 5 of 1,607,700 alleles (0.00031%); highest among the groups gnomAD compares: Non-Finnish European, 0.00043%; no homozygotes.

Submission:

Labcorp Genetics (formerly Invitae), Labcorp
Classification: Uncertain significance. Last evaluated: 2022-08-15. Review status: criteria provided, single submitter. Criteria: Invitae Variant Classification Sherloc (09022015). Collection method: clinical testing. Allele origin: germline.
Comment: This sequence change replaces alanine, which is neutral and non-polar, with glycine, which is neutral and non-polar, at codon 544 of the DBR1 protein (p.Ala544Gly). This variant is present in population databases (rs140755249, gnomAD 0.002%). This variant has not been reported in the literature in individuals affected with DBR1-related conditions. Algorithms developed to predict the effect of missense changes on protein structure and function are either unavailable or do not agree on the potential impact of this missense change (SIFT: "Tolerated"; PolyPhen-2: "Not Available"; Align-GVGD: "Class C0"). In summary, the available evidence is currently insufficient to determine the role of this variant in disease. Therefore, it has been classified as a Variant of Uncertain Significance.